The following is an entry in ClinVar:

NM_001110556.2(FLNA):c.1202C>T (p.Thr401Ile)

Gene: FLNA (filamin A; minus strand). Cytogenetic location: Xq28.
Variant type: single nucleotide variant.
Coding change: c.1202C>T on transcript NM_001110556.2 (MANE Select); coding-DNA position 1202, C replaced by T.
Protein change: p.Thr401Ile; replaces threonine 401 with isoleucine.
Molecular consequence: missense variant.
Genome position (GRCh38, 1-based): chrX:154,366,334, G>A on the plus strand (C>T on the coding strand, the complement: FLNA is on the minus strand). VCF-style: chrX-154366334-G-A. GRCh37 (hg19) VCF-style: chrX-153594702-G-A.
Other names: c.1202C>T, p.Thr401Ile (NM_001456.4); short protein forms T401I.
Identifiers: ClinVar variation 1370975 (VCV001370975.7), dbSNP rs782816272, ClinGen allele CA415244160.

ClinVar aggregate classification (germline): Uncertain significance. Review status: criteria provided, multiple submitters, no conflicts (2 of 4 stars). 2 submissions from 2 submitters: Uncertain significance (2). Last evaluated 2025-02-03.

Conditions:
Heterotopia, periventricular, X-linked dominant (PVNH1). Also called: PERIVENTRICULAR NODULAR HETEROTOPIA 1; X-linked periventricular heterotopia; PERIVENTRICULAR NODULAR HETEROTOPIA 4; HETEROTOPIA, PERIVENTRICULAR, 1. Identifiers: Orphanet 2149, Orphanet 82004, MedGen C1848213, MONDO:0010233, OMIM 300049.
Oto-palato-digital syndrome, type II (OPD2). Also called: FACIOPALATOOSSEOUS SYNDROME; Otopalatodigital Syndrome, Type II; OPD II SYNDROME; Otopalatodigital Syndrome Type 2 (FLNA-OPD2). Identifiers: Orphanet 669, Orphanet 90652, MedGen C1844696, MONDO:0010571, OMIM 304120.
Melnick-Needles syndrome (MNS). Also called: MELNICK-NEEDLES OSTEODYSPLASTY; OSTEODYSPLASTY OF MELNICK AND NEEDLES; Melnick-Needles Syndrome (FLNA-MNS). Identifiers: Orphanet 2484, MedGen C0025237, MONDO:0010650, OMIM 309350.
Frontometaphyseal dysplasia (FMD1). Identifiers: Orphanet 1826, MedGen C0265293, MONDO:0015942.

gnomAD v4.1: 2 of 1,212,311 alleles (0.00016%); highest among the groups gnomAD compares: Non-Finnish European, 0.00011%; no homozygotes.

Submissions (2):

Labcorp Genetics (formerly Invitae), Labcorp
Classification: Uncertain significance for Oto-palato-digital syndrome, type II; Heterotopia, periventricular, X-linked dominant; Frontometaphyseal dysplasia; Melnick-Needles syndrome. Last evaluated: 2025-02-03. Review status: criteria provided, single submitter. Criteria: Invitae Variant Classification Sherloc (09022015). Collection method: clinical testing. Allele origin: germline.
Comment: This sequence change replaces threonine, which is neutral and polar, with isoleucine, which is neutral and non-polar, at codon 401 of the FLNA protein (p.Thr401Ile). This variant is not present in population databases (gnomAD no frequency). This variant has not been reported in the literature in individuals affected with FLNA-related conditions. ClinVar contains an entry for this variant (Variation ID: 1370975). Invitae Evidence Modeling of protein sequence and biophysical properties (such as structural, functional, and spatial information, amino acid conservation, physicochemical variation, residue mobility, and thermodynamic stability) indicates that this missense variant is not expected to disrupt FLNA protein function with a negative predictive value of 95%. In summary, the available evidence is currently insufficient to determine the role of this variant in disease. Therefore, it has been classified as a Variant of Uncertain Significance.

Blueprint Genetics
Classification: Uncertain significance. Last evaluated: 2024-08-22. Review status: criteria provided, single submitter. Criteria: ACMG Guidelines, 2015. Collection method: clinical testing. Allele origin: germline.